The following is an entry in ClinVar:

ClinVar aggregate classification (germline): Pathogenic (1 of 4 stars; one submission).

Conditions:
Neuronal ceroid lipofuscinosis. Also called: Neuronal Ceroid Lipofuscinoses. Identifiers: Orphanet 216, Orphanet 79263, MedGen C0027877, MONDO:0016295. Disease mechanism: loss of function.

Submission:

Labcorp Genetics (formerly Invitae), Labcorp
Classification: Pathogenic for Neuronal ceroid lipofuscinosis. Last evaluated: 2019-12-10. Review status: criteria provided, single submitter. Criteria: Invitae Variant Classification Sherloc (09022015). Collection method: clinical testing. Allele origin: germline.
Comment: A gross deletion of the genomic region encompassing the full coding sequence of the CLN8 gene has been identified. The boundaries of this event are unknown as the deletion extends beyond the assayed region for this gene and therefore may encompass additional genes. Similar deletions have been observed in individuals with neuronal ceroid lipofuscinoses (PMID: 28116333). Loss-of-function variants in CLN8 are known to be pathogenic (PMID: 15024724). For these reasons, this variant has been classified as Pathogenic.

Literature cited by the submitters: PubMed 28116333.

NC_000008.11:g.(?_1771045)_(1780577_?)del

Gene: CLN8 (CLN8 transmembrane ER and ERGIC protein; plus strand). Cytogenetic location: 8p23.3.
Variant type: Deletion.
Identifiers: ClinVar variation 647473 (VCV000647473.2).